The following is an entry in ClinVar:

ClinVar aggregate classification (germline): Likely benign. Review status: criteria provided, multiple submitters, no conflicts (2 of 4 stars). 2 submissions from 2 submitters: Likely benign (2). Last evaluated 2025-10-01.

Conditions:
Inborn genetic diseases. Identifiers: MedGen C0950123, MeSH D030342.

Allele frequency attached by ClinVar (database versions not stated): TOPMed 0.00002; gnomAD 0.00003; gnomAD exomes 0.00005; ExAC 0.00010; 1000 Genomes Project 0.00020; 1000 Genomes Project 30x 0.00031.
gnomAD v4.1: 35 of 1,614,008 alleles (0.0022%); highest among the groups gnomAD compares: Admixed American, 0.055%; 1 homozygote.

Submissions (2):

CeGaT Center for Human Genetics Tuebingen
Classification: Likely benign. Last evaluated: 2025-10-01. Review status: criteria provided, single submitter. Criteria: CeGaT Center For Human Genetics Tuebingen Variant Classification Criteria Version 2. Collection method: clinical testing. Allele origin: germline. Affected: yes. Observed: 1 variant allele.
Comment: JARID2: BS1

Ambry Genetics
Classification: Likely benign for Inborn genetic diseases. Last evaluated: 2022-06-28. Review status: criteria provided, single submitter. Criteria: Ambry Variant Classification Scheme 2023. Collection method: clinical testing. Allele origin: germline.

NM_004973.4(JARID2):c.2899C>G (p.Leu967Val)

Gene: JARID2 (jumonji and AT-rich interaction domain containing 2; plus strand). Cytogenetic location: 6p22.3.
Variant type: single nucleotide variant.
Coding change: c.2899C>G on transcript NM_004973.4 (MANE Select); coding-DNA position 2899, C replaced by G.
Protein change: p.Leu967Val; replaces leucine 967 with valine.
Molecular consequence: missense variant.
Genome position (GRCh38, 1-based): chr6:15,511,348, C>G. VCF-style: chr6-15511348-C-G. GRCh37 (hg19) VCF-style: chr6-15511579-C-G.
Other names: c.2383C>G, p.Leu795Val (NM_001267040.1); short protein forms L795V, L967V.
Identifiers: ClinVar variation 2361797 (VCV002361797.8), dbSNP rs200466167, ClinGen allele CA3643299.